The following is an entry in ClinVar:

NM_021167.5(GATAD1):c.406A>G (p.Ile136Val)

Gene: GATAD1 (GATA zinc finger domain containing 1; plus strand). Cytogenetic location: 7q21.2.
Variant type: single nucleotide variant.
Coding change: c.406A>G on transcript NM_021167.5 (MANE Select); coding-DNA position 406, A replaced by G.
Protein change: p.Ile136Val; replaces isoleucine 136 with valine.
Molecular consequence: missense variant. On other transcripts: non-coding transcript variant (1).
Genome position (GRCh38, 1-based): chr7:92,450,731, A>G. VCF-style: chr7-92450731-A-G. GRCh37 (hg19) VCF-style: chr7-92080045-A-G.
Other names: short protein forms I136V.
Identifiers: ClinVar variation 957756 (VCV000957756.11), dbSNP rs200665705, ClinGen allele CA4340279.
Genomic context (GRCh38, chr7:92,450,731, plus strand): 5'-AATGTGCTAATGTTTTTTGTATTTTCATAGCCCATCAAAGCTCCTGAGTCAGTTTCCACT[A>G]TAATCACTGCAGAATCAATCTTCTACAAGGTAAGCTTTTGTAGAGTTACTGAAGGAAGAG-3'
Protein context (NP_066990.3, residues 126-146): PIKAPESVST[Ile136Val]ITAESIFYKG

ClinVar aggregate classification (germline): Uncertain significance. Review status: criteria provided, multiple submitters, no conflicts (2 of 4 stars). 3 submissions from 3 submitters: Uncertain significance (3). Last evaluated 2025-10-15.

Conditions:
Cardiovascular phenotype. Identifiers: MedGen CN230736.
Dilated cardiomyopathy 2B. Identifiers: Orphanet 154, MedGen C3553409, MONDO:0013848, OMIM 614672.

Allele frequency attached by ClinVar (database versions not stated): gnomAD exomes below 0.00001 and 0.00002; gnomAD 0.00001; TOPMed 0.00003; ExAC 0.00004; ESP Exome Variant Server 0.00015; 1000 Genomes Project 30x 0.00016; 1000 Genomes Project 0.00020.
gnomAD v4.1: 6 of 1,610,168 alleles (0.00037%); highest among the groups gnomAD compares: African/African-American, 0.0053%; no homozygotes.

Submissions (3):

Labcorp Genetics (formerly Invitae), Labcorp
Classification: Uncertain significance for Dilated cardiomyopathy 2B. Last evaluated: 2025-10-15. Review status: criteria provided, single submitter. Criteria: Invitae Variant Classification Sherloc (09022015). Collection method: clinical testing. Allele origin: germline.
Comment: This sequence change replaces isoleucine, which is neutral and non-polar, with valine, which is neutral and non-polar, at codon 136 of the GATAD1 protein (p.Ile136Val). This variant is present in population databases (rs200665705, gnomAD 0.04%). This variant has not been reported in the literature in individuals affected with GATAD1-related conditions. ClinVar contains an entry for this variant (Variation ID: 957756). Invitae Evidence Modeling of protein sequence and biophysical properties (such as structural, functional, and spatial information, amino acid conservation, physicochemical variation, residue mobility, and thermodynamic stability) indicates that this missense variant is not expected to disrupt GATAD1 protein function with a negative predictive value of 80%. In summary, the available evidence is currently insufficient to determine the role of this variant in disease. Therefore, it has been classified as a Variant of Uncertain Significance.

Ambry Genetics
Classification: Uncertain significance for Cardiovascular phenotype. Last evaluated: 2024-06-30. Review status: criteria provided, single submitter. Criteria: Ambry Variant Classification Scheme 2023. Collection method: clinical testing. Allele origin: germline.
Comment: The p.I136V variant (also known as c.406A>G), located in coding exon 3 of the GATAD1 gene, results from an A to G substitution at nucleotide position 406. The isoleucine at codon 136 is replaced by valine, an amino acid with highly similar properties. This amino acid position is conserved. In addition, this alteration is predicted to be tolerated by in silico analysis. Since supporting evidence is limited at this time, the clinical significance of this alteration remains unclear.

Fulgent Genetics
Classification: Uncertain significance for Dilated cardiomyopathy 2B. Last evaluated: 2021-07-26. Review status: criteria provided, single submitter. Criteria: ACMG Guidelines, 2015. Collection method: clinical testing. Allele origin: unknown.